The following is an entry in ClinVar:

ClinVar aggregate classification (germline): Conflicting classifications of pathogenicity. Review status: criteria provided, conflicting classifications (1 of 4 stars). 4 submissions from 3 submitters: Uncertain significance (3); Likely benign (1). Last evaluated 2025-11-10.

Conditions:
Holoprosencephaly 7 (HPE7). Identifiers: Orphanet 2162, MedGen C1835820, MONDO:0012562, OMIM 610828.
Hereditary cancer-predisposing syndrome. Also called: Neoplastic Syndromes, Hereditary; Tumor predisposition; Hereditary neoplastic syndrome; Hereditary Cancer Syndrome. Identifiers: Orphanet 140162, MedGen C0027672, MeSH D009386, MONDO:0015356.
Gorlin syndrome. Also called: Basal cell nevus syndrome; Nevoid Basal Cell Carcinoma Syndrome. Identifiers: Orphanet 377, MedGen C0004779, MONDO:0007187.

Allele frequency attached by ClinVar (database versions not stated): gnomAD exomes below 0.00001 and 0.00001; TOPMed below 0.00001.
gnomAD v4.1: 14 of 1,613,212 alleles (0.00087%); highest among the groups gnomAD compares: Admixed American, 0.0017%; no homozygotes.

Submissions (4):

Labcorp Genetics (formerly Invitae), Labcorp
Classification: Likely benign for Gorlin syndrome. Last evaluated: 2025-11-10. Review status: criteria provided, single submitter. Criteria: Invitae Variant Classification Sherloc (09022015). Collection method: clinical testing. Allele origin: germline.

Ambry Genetics
Classification: Uncertain significance for Hereditary cancer-predisposing syndrome. Last evaluated: 2024-03-21. Review status: criteria provided, single submitter. Criteria: Ambry Variant Classification Scheme 2023. Collection method: clinical testing. Allele origin: germline.
Comment: The p.F83L variant (also known as c.247T>C), located in coding exon 2 of the PTCH1 gene, results from a T to C substitution at nucleotide position 247. The phenylalanine at codon 83 is replaced by leucine, an amino acid with highly similar properties. This amino acid position is highly conserved in available vertebrate species. In addition, this alteration is predicted to be deleterious by in silico analysis. Since supporting evidence is limited at this time, the clinical significance of this alteration remains unclear.

Illumina Laboratory Services, Illumina
Classification: Uncertain significance for Basal cell nevus syndrome 1. Last evaluated: 2018-01-13. Review status: criteria provided, single submitter. Criteria: ICSL Variant Classification Criteria 13 December 2019. Collection method: clinical testing. Allele origin: germline.

Illumina Laboratory Services, Illumina
Classification: Uncertain significance for Holoprosencephaly 7. Last evaluated: 2018-01-13. Review status: criteria provided, single submitter. Criteria: ICSL Variant Classification Criteria 13 December 2019. Collection method: clinical testing. Allele origin: germline.

NM_000264.5(PTCH1):c.247T>C (p.Phe83Leu)

Gene: PTCH1 (patched 1; minus strand). Cytogenetic location: 9q22.32.
Variant type: single nucleotide variant.
Coding change: c.247T>C on transcript NM_000264.5 (MANE Select); coding-DNA position 247, T replaced by C.
Protein change: p.Phe83Leu; replaces phenylalanine 83 with leucine.
Molecular consequence: missense variant. On other transcripts: 5 prime UTR variant (4), non-coding transcript variant (1).
Genome position (GRCh38, 1-based): chr9:95,506,554, A>G on the plus strand (T>C on the coding strand, the complement: PTCH1 is on the minus strand). VCF-style: chr9-95506554-A-G. GRCh37 (hg19) VCF-style: chr9-98268836-A-G.
Other names: c.49T>C, p.Phe17Leu (NM_001083602.3, NM_001354919.2); c.244T>C, p.Phe82Leu (NM_001083603.3); c.-207T>C (NM_001083604.3, NM_001083605.3, NM_001083606.3 and 1 more transcripts); c.247T>C, p.Phe83Leu (NM_001354918.2); short protein forms F83L, F17L, F82L.
Identifiers: ClinVar variation 524581 (VCV000524581.17), dbSNP rs1263611523, ClinGen allele CA374120553.